The following is an entry in ClinVar:

ClinVar aggregate classification (germline): Conflicting classifications of pathogenicity. Review status: criteria provided, conflicting classifications (1 of 4 stars). 5 submissions from 5 submitters: Uncertain significance (3); Likely benign (1). 1 of the submissions does not count toward it. Last evaluated 2025-03-24.

Conditions:
Hereditary breast ovarian cancer syndrome. Also called: BRCA1- and BRCA2-Associated Hereditary Breast and Ovarian Cancer; Hereditary breast and ovarian cancer syndrome (HBOC); Hereditary breast and ovarian cancer syndrome; Breast and ovarian cancer; Hereditary breast and ovarian cancer; Hereditary breast and/or ovarian cancer syndrome. Identifiers: Orphanet 145, MedGen C0677776, MeSH D061325, MONDO:0003582. Disease mechanism: loss of function.
Hereditary cancer-predisposing syndrome. Also called: Hereditary Cancer Syndrome; Hereditary neoplastic syndrome; Neoplastic Syndromes, Hereditary; Tumor predisposition. Identifiers: Orphanet 140162, MedGen C0027672, MeSH D009386, MONDO:0015356.
Breast-ovarian cancer, familial, susceptibility to, 1 (BROVCA1). Also called: OVARIAN CANCER, SUSCEPTIBILITY TO; BRCA1 Hereditary Breast and Ovarian Cancer. Identifiers: Orphanet 145, MedGen C2676676, MONDO:0011450, OMIM 604370. Disease mechanism: loss of function.

Submissions (5):

Color Diagnostics, LLC DBA Color Health
Classification: Uncertain significance for Hereditary cancer-predisposing syndrome. Last evaluated: 2025-03-24. Review status: criteria provided, single submitter. Criteria: ACMG Guidelines, 2015. Collection method: clinical testing. Allele origin: germline.
Comment: This missense variant replaces serine with threonine at codon 573 of the BRCA1 protein. Computational prediction is inconclusive regarding the impact of this variant on protein structure and function. To our knowledge, functional studies have not been reported for this variant. This variant has not been reported in individuals affected with BRCA1-related disorders in the literature. This variant has not been identified in the general population by the Genome Aggregation Database (gnomAD). The available evidence is insufficient to determine the role of this variant in disease conclusively. Therefore, this variant is classified as a Variant of Uncertain Significance.

University of Washington Department of Laboratory Medicine, University of Washington
Classification: Likely benign for Hereditary cancer-predisposing syndrome. Last evaluated: 2023-03-23. Review status: criteria provided, single submitter. Criteria: Dines et al. (Genet Med. 2020). Collection method: curation. Allele origin: germline.
Comment: Missense variant in a coldspot region where missense variants are very unlikely to be pathogenic (PMID:31911673).

BRCA1 coldspot (exon 11 using historical exon numbering). Reclassification based on statistical prior probability

Labcorp Genetics (formerly Invitae), Labcorp
Classification: Uncertain significance for Hereditary breast ovarian cancer syndrome. Last evaluated: 2022-08-27. Review status: criteria provided, single submitter. Criteria: Invitae Variant Classification Sherloc (09022015). Collection method: clinical testing. Allele origin: germline.
Comment: ClinVar contains an entry for this variant (Variation ID: 819915). This variant has not been reported in the literature in individuals affected with BRCA1-related conditions. This variant is not present in population databases (gnomAD no frequency). This sequence change replaces serine, which is neutral and polar, with threonine, which is neutral and polar, at codon 573 of the BRCA1 protein (p.Ser573Thr). In summary, the available evidence is currently insufficient to determine the role of this variant in disease. Therefore, it has been classified as a Variant of Uncertain Significance. Advanced modeling of protein sequence and biophysical properties (such as structural, functional, and spatial information, amino acid conservation, physicochemical variation, residue mobility, and thermodynamic stability) performed at Invitae indicates that this missense variant is not expected to disrupt BRCA1 protein function.

Ambry Genetics
Classification: Uncertain significance for Hereditary cancer-predisposing syndrome. Last evaluated: 2019-08-07. Review status: criteria provided, single submitter. Criteria: Ambry Variant Classification Scheme 2023. Collection method: clinical testing. Allele origin: germline.
Comment: The p.S573T variant (also known as c.1717T>A), located in coding exon 9 of the BRCA1 gene, results from a T to A substitution at nucleotide position 1717. The serine at codon 573 is replaced by threonine, an amino acid with similar properties. This amino acid position is well conserved in available vertebrate species. In addition, this alteration is predicted to be deleterious by in silico analysis. Since supporting evidence is limited at this time, the clinical significance of this alteration remains unclear.

Department of Medical and Surgical Sciences, University of Bologna
Classification: Likely benign for Breast-ovarian cancer, familial, susceptibility to, 1. Last evaluated: 2023-09-01. Review status: no assertion criteria provided. Collection method: clinical testing. Allele origin: germline. Affected: yes. Not counted in ClinVar's aggregate classification.
Comment: PM2(Supporting)+BP1(Strong) according to ACMG/AMP classification guidelines specified for BRCA1 & BRCA2 (Classification Criteria V1.0.0 2023-09-08) (PMID: 38160042)

NM_007294.4(BRCA1):c.1717T>A (p.Ser573Thr)

Gene: BRCA1 (BRCA1 DNA repair associated; minus strand). Cytogenetic location: 17q21.31.
Variant type: single nucleotide variant.
Coding change: c.1717T>A on transcript NM_007294.4 (MANE Select); coding-DNA position 1717, T replaced by A.
Protein change: p.Ser573Thr; replaces serine 573 with threonine.
Molecular consequence: missense variant. On other transcripts: intron variant (137).
Genome position (GRCh38, 1-based): chr17:43,093,814, A>T on the plus strand (T>A on the coding strand, the complement: BRCA1 is on the minus strand). VCF-style: chr17-43093814-A-T. GRCh37 (hg19) VCF-style: chr17-41245831-A-T.
Other names: c.1504T>A, p.Ser502Thr (NM_001407571.1, NM_001407915.1, NM_001407853.1 and 9 more transcripts); c.1717T>A, p.Ser573Thr (NM_001407581.1, NM_001407582.1, NM_001407583.1 and 30 more transcripts); c.1714T>A, p.Ser572Thr (NM_001407587.1, NM_001407590.1, NM_001407591.1 and 22 more transcripts); c.1591T>A, p.Ser531Thr (NM_001407649.1, NM_001407670.1, NM_001407671.1 and 11 more transcripts); c.1639T>A, p.Ser547Thr (NM_001407653.1, NM_001407654.1, NM_001407655.1 and 4 more transcripts); c.1636T>A, p.Ser546Thr (NM_001407659.1, NM_001407660.1, NM_001407661.1 and 1 more transcripts); c.1594T>A, p.Ser532Thr (NM_001407674.1, NM_001407675.1, NM_001407676.1 and 19 more transcripts); c.1576T>A, p.Ser526Thr (NM_001407692.1, NM_001407694.1, NM_001407695.1 and 29 more transcripts); and 40 more; short protein forms S573T, S526T, S445T, S446T, S502T, S503T, S505T, S547T.
Identifiers: ClinVar variation 819915 (VCV000819915.15), dbSNP rs876660448, ClinGen allele CA10598595.